The following is an entry in ClinVar:

ClinVar aggregate classification (germline): Uncertain significance (0 of 4 stars; one submission).

Conditions:
NR0B2-related disorder. Also called: NR0B2-related condition.

Allele frequency attached by ClinVar (database versions not stated): ExAC 0.00001; gnomAD exomes 0.00001; gnomAD 0.00002; TOPMed 0.00002.
gnomAD v4.1: 13 of 1,614,072 alleles (0.00081%); highest among the groups gnomAD compares: East Asian, 0.018%; no homozygotes.

Submission:

PreventionGenetics, part of Exact Sciences
Classification: Uncertain significance for NR0B2-related condition. Last evaluated: 2024-09-24. Review status: no assertion criteria provided. Collection method: clinical testing. Allele origin: germline.
Comment: The NR0B2 c.618G>A variant is predicted to result in premature protein termination (p.Trp206*). This variant was reported in two patients with type 2 diabetes and BMI of 24.1 +/- 4.0 kg/m2 and was also identified in one individual from a control population (Enya et al. 2008. PubMed ID: 18781616). Additional functional studies showed that the p.Trp206* variant altered protein function (Enya et al. 2008. PubMed ID: 18781616). This variant is reported in 0.0062% of alleles in individuals of African descent in gnomAD. This variant is located in the terminal exon of NROB2. Early termination changes upstream but not downstream of this change have been reported as causative. While we suspect this variant may be causative, at this time, its clinical significance is uncertain due to the absence of conclusive functional and genetic evidence.

NM_021969.3(NR0B2):c.618G>A (p.Trp206Ter)

Genes: NR0B2 (nuclear receptor subfamily 0 group B member 2; minus strand), NUDC (nuclear distribution C, dynein complex regulator; plus strand). Cytogenetic location: 1p36.11.
Variant type: single nucleotide variant.
Coding change: c.618G>A on transcript NM_021969.3 (MANE Select); coding-DNA position 618, G replaced by A.
Protein change: p.Trp206Ter; replaces tryptophan 206 with a stop codon.
Molecular consequence: nonsense.
Genome position (GRCh38, 1-based): chr1:26,912,001, C>T on the plus strand (G>A on the coding strand, the complement: NR0B2 is on the minus strand). VCF-style: chr1-26912001-C-T. GRCh37 (hg19) VCF-style: chr1-27238492-C-T.
Other names: short protein forms W206*.
Identifiers: ClinVar variation 3054056 (VCV003054056.2), dbSNP rs766293590, ClinGen allele CA709572.